The following is an entry in ClinVar:

ClinVar aggregate classification (germline): Uncertain significance. Review status: criteria provided, multiple submitters, no conflicts (2 of 4 stars). 2 submissions from 2 submitters: Uncertain significance (2). Last evaluated 2025-12-10.

Conditions:
Familial thoracic aortic aneurysm and aortic dissection (TAAD). Also called: Thoracic aortic aneurysms and dissections. Identifiers: Orphanet 91387, MedGen C4707243, MONDO:0019625.
Aortic aneurysm, familial thoracic 7 (AAT7). Also called: AORTIC DISSECTION, FAMILIAL, WITH OR WITHOUT AORTIC ANEURYSM. Identifiers: MedGen C3151077, MONDO:0013418, OMIM 613780.

Allele frequency attached by ClinVar (database versions not stated): gnomAD exomes below 0.00001; TOPMed below 0.00001; ExAC 0.00001.
gnomAD v4.1: 6 of 1,603,462 alleles (0.00037%); highest among the groups gnomAD compares: Middle Eastern, 0.017%; no homozygotes.

Submissions (2):

Labcorp Genetics (formerly Invitae), Labcorp
Classification: Uncertain significance for Aortic aneurysm, familial thoracic 7. Last evaluated: 2025-12-10. Review status: criteria provided, single submitter. Criteria: Invitae Variant Classification Sherloc (09022015). Collection method: clinical testing. Allele origin: germline.
Comment: This sequence change replaces glycine, which is neutral and non-polar, with arginine, which is basic and polar, at codon 822 of the MYLK protein (p.Gly822Arg). This variant is present in population databases (rs776358725, gnomAD 0.003%). This variant has not been reported in the literature in individuals affected with MYLK-related conditions. ClinVar contains an entry for this variant (Variation ID: 409702). An algorithm developed to predict the effect of missense changes on protein structure and function outputs the following: PolyPhen-2: "Benign". The arginine amino acid residue is found in multiple mammalian species, which suggests that this missense change does not adversely affect protein function. In summary, the available evidence is currently insufficient to determine the role of this variant in disease. Therefore, it has been classified as a Variant of Uncertain Significance.

Ambry Genetics
Classification: Uncertain significance for Familial thoracic aortic aneurysm and aortic dissection. Last evaluated: 2025-07-21. Review status: criteria provided, single submitter. Criteria: Ambry Variant Classification Scheme 2023. Collection method: clinical testing. Allele origin: germline.
Comment: The p.G822R variant (also known as c.2464G>A), located in coding exon 15 of the MYLK gene, results from a G to A substitution at nucleotide position 2464. The glycine at codon 822 is replaced by arginine, an amino acid with dissimilar properties. This amino acid position is conserved. In addition, this alteration is predicted to be tolerated by in silico analysis. Based on the available evidence, the clinical significance of this variant remains unclear.

NM_053025.4(MYLK):c.2464G>A (p.Gly822Arg)

Gene: MYLK (myosin light chain kinase; minus strand). Cytogenetic location: 3q21.1.
Variant type: single nucleotide variant.
Coding change: c.2464G>A on transcript NM_053025.4 (MANE Select); coding-DNA position 2464, G replaced by A.
Protein change: p.Gly822Arg; replaces glycine 822 with arginine.
Molecular consequence: missense variant.
Genome position (GRCh38, 1-based): chr3:123,701,004, C>T on the plus strand (G>A on the coding strand, the complement: MYLK is on the minus strand). VCF-style: chr3-123701004-C-T. GRCh37 (hg19) VCF-style: chr3-123419851-C-T.
Other names: c.1936G>A, p.Gly646Arg (NM_001321309.2); c.2257G>A, p.Gly753Arg (NM_053026.4, NM_053028.4); c.2464G>A, p.Gly822Arg (NM_053027.4); short protein forms G822R, G753R, G646R.
Identifiers: ClinVar variation 409702 (VCV000409702.7), dbSNP rs776358725, ClinGen allele CA068647.